The following is an entry in ClinVar:

ClinVar aggregate classification (germline): Pathogenic/Likely pathogenic. Review status: criteria provided, multiple submitters, no conflicts (2 of 4 stars). 4 submissions from 4 submitters: Pathogenic (1); Likely pathogenic (3). Last evaluated 2026-04-19.

Conditions:
WFS1-related disorder. Identifiers: MedGen CN379391, MONDO:0700293.

gnomAD v4.1: 32 of 1,613,952 alleles (0.002%); highest among the groups gnomAD compares: Admixed American, 0.0067%; no homozygotes.

Submissions (4):

PreventionGenetics, part of Exact Sciences
Classification: Likely pathogenic for WFS1-related condition. Last evaluated: 2026-04-19. Review status: criteria provided, single submitter. Criteria: ACMG Guidelines, 2015. Collection method: clinical testing. Allele origin: germline.
Comment: The WFS1 c.1289C>A variant is predicted to result in premature protein termination (p.Ser430*). To our knowledge, this variant has not been reported in the literature. This variant is reported in 0.0056% of alleles in individuals of Latino descent in gnomAD. Nonsense variants in WFS1 are expected to be pathogenic. This variant is interpreted as likely pathogenic.

Labcorp Genetics (formerly Invitae), Labcorp
Classification: Pathogenic. Last evaluated: 2025-09-02. Review status: criteria provided, single submitter. Criteria: Invitae Variant Classification Sherloc (09022015). Collection method: clinical testing. Allele origin: germline.
Comment: This sequence change creates a premature translational stop signal (p.Ser430*) in the WFS1 gene. While this is not anticipated to result in nonsense mediated decay, it is expected to disrupt the last 461 amino acid(s) of the WFS1 protein. The frequency data for this variant in the population databases is considered unreliable, as metrics indicate poor data quality at this position in the gnomAD database. This variant has not been reported in the literature in individuals affected with WFS1-related conditions. ClinVar contains an entry for this variant (Variation ID: 2043736). This variant disrupts a region of the WFS1 protein in which other variant(s) (p.Glu752*) have been determined to be pathogenic (PMID: 15277431, 23981289). This suggests that this is a clinically significant region of the protein, and that variants that disrupt it are likely to be disease-causing. For these reasons, this variant has been classified as Pathogenic.

GeneDx
Classification: Likely pathogenic. Last evaluated: 2023-12-15. Review status: criteria provided, single submitter. Criteria: GeneDx Variant Classification Process June 2021. Collection method: clinical testing. Allele origin: germline.
Comment: Identified in an individual with Wolfram syndrome who was reported to be compound heterozygous in published literature; however, additional clinical information and familial segregation data were not provided (PMID: 29728875); Nonsense variant predicted to result in protein truncation in a gene for which loss of function is a known mechanism of disease; Not observed at significant frequency in large population cohorts (gnomAD); This variant is associated with the following publications: (PMID: 29728875)

Blueprint Genetics
Classification: Likely pathogenic for WFS1-related disorders. Last evaluated: 2021-03-11. Review status: criteria provided, single submitter. Criteria: ACMG Guidelines, 2015. Collection method: clinical testing. Allele origin: germline. Affected: yes. Observed: 3 variant alleles.

Literature cited by the submitters: PubMed 15277431 (cited by Labcorp Genetics (formerly Invitae), Labcorp); PubMed 23981289 (cited by Labcorp Genetics (formerly Invitae), Labcorp).

NM_006005.3(WFS1):c.1289C>A (p.Ser430Ter)

Gene: WFS1 (wolframin ER transmembrane glycoprotein; plus strand). Cytogenetic location: 4p16.1.
Variant type: single nucleotide variant.
Coding change: c.1289C>A on transcript NM_006005.3 (MANE Select); coding-DNA position 1289, C replaced by A.
Protein change: p.Ser430Ter; replaces serine 430 with a stop codon.
Molecular consequence: nonsense.
Genome position (GRCh38, 1-based): chr4:6,301,084, C>A. VCF-style: chr4-6301084-C-A. GRCh37 (hg19) VCF-style: chr4-6302811-C-A.
Other names: c.1289C>A, p.Ser430Ter (NM_001145853.1); short protein forms S430*.
Identifiers: ClinVar variation 2043736 (VCV002043736.8), dbSNP rs1235562712, ClinGen allele CA356174616.